The following is an entry in ClinVar:

NM_182972.3(IRF2BP2):c.747C>G (p.His249Gln)

Gene: IRF2BP2 (interferon regulatory factor 2 binding protein 2; minus strand). Cytogenetic location: 1q42.3.
Variant type: single nucleotide variant.
Coding change: c.747C>G on transcript NM_182972.3 (MANE Select); coding-DNA position 747, C replaced by G.
Protein change: p.His249Gln; replaces histidine 249 with glutamine.
Molecular consequence: missense variant.
Genome position (GRCh38, 1-based): chr1:234,608,748, G>C on the plus strand (C>G on the coding strand, the complement: IRF2BP2 is on the minus strand). VCF-style: chr1-234608748-G-C. GRCh37 (hg19) VCF-style: chr1-234744494-G-C.
Other names: c.747C>G, p.His249Gln (NM_001077397.1); c.747C>G (NM_182972.2); short protein forms H249Q.
Identifiers: ClinVar variation 1491130 (VCV001491130.9), dbSNP rs766194508, ClinGen allele CA1461784.

ClinVar aggregate classification (germline): Uncertain significance. Review status: criteria provided, multiple submitters, no conflicts (2 of 4 stars). 2 submissions from 2 submitters: Uncertain significance (2). Last evaluated 2024-09-30.

gnomAD v4.1: 11 of 1,497,520 alleles (0.00073%); highest among the groups gnomAD compares: African/African-American, 0.012%; no homozygotes.

Submissions (2):

Ambry Genetics
Classification: Uncertain significance. Last evaluated: 2024-09-30. Review status: criteria provided, single submitter. Criteria: Ambry Variant Classification Scheme 2023. Collection method: clinical testing. Allele origin: germline.

Labcorp Genetics (formerly Invitae), Labcorp
Classification: Uncertain significance. Last evaluated: 2021-06-24. Review status: criteria provided, single submitter. Criteria: Invitae Variant Classification Sherloc (09022015). Collection method: clinical testing. Allele origin: germline.
Comment: This sequence change replaces histidine with glutamine at codon 249 of the IRF2BP2 protein (p.His249Gln). The histidine residue is moderately conserved and there is a small physicochemical difference between histidine and glutamine. The frequency data for this variant in the population databases is considered unreliable, as metrics indicate poor data quality at this position in the ExAC database. This variant has not been reported in the literature in individuals with IRF2BP2-related conditions. Algorithms developed to predict the effect of missense changes on protein structure and function are either unavailable or do not agree on the potential impact of this missense change (SIFT: "Tolerated"; PolyPhen-2: "Possibly Damaging"; Align-GVGD: "Class C0"). In summary, the available evidence is currently insufficient to determine the role of this variant in disease. Therefore, it has been classified as a Variant of Uncertain Significance.